The following is an entry in ClinVar:

ClinVar aggregate classification (germline): Uncertain significance (1 of 4 stars; one submission).

Allele frequency attached by ClinVar (database versions not stated): gnomAD exomes below 0.00001.

Submission:

Labcorp Genetics (formerly Invitae), Labcorp
Classification: Uncertain significance. Last evaluated: 2021-12-08. Review status: criteria provided, single submitter. Criteria: Invitae Variant Classification Sherloc (09022015). Collection method: clinical testing. Allele origin: germline.
Comment: This sequence change replaces glutamine, which is neutral and polar, with histidine, which is basic and polar, at codon 988 of the PCNT protein (p.Gln988His). This variant is not present in population databases (gnomAD no frequency). This variant has not been reported in the literature in individuals affected with PCNT-related conditions. Algorithms developed to predict the effect of missense changes on protein structure and function output the following: SIFT: "Tolerated"; PolyPhen-2: "Benign"; Align-GVGD: "Class C0". The histidine amino acid residue is found in multiple mammalian species, which suggests that this missense change does not adversely affect protein function. In summary, the available evidence is currently insufficient to determine the role of this variant in disease. Therefore, it has been classified as a Variant of Uncertain Significance.

NM_006031.6(PCNT):c.2964G>T (p.Gln988His)

Gene: PCNT (pericentrin; plus strand). Cytogenetic location: 21q22.3.
Variant type: single nucleotide variant.
Coding change: c.2964G>T on transcript NM_006031.6 (MANE Select); coding-DNA position 2964, G replaced by T.
Protein change: p.Gln988His; replaces glutamine 988 with histidine.
Molecular consequence: missense variant.
Genome position (GRCh38, 1-based): chr21:46,366,938, G>T. VCF-style: chr21-46366938-G-T. GRCh37 (hg19) VCF-style: chr21-47786853-G-T.
Other names: c.2610G>T, p.Gln870His (NM_001315529.2); short protein forms Q870H, Q988H.
Identifiers: ClinVar variation 1938739 (VCV001938739.2), dbSNP rs868405698, ClinGen allele CA322005844.